The following is an entry in ClinVar:

ClinVar aggregate classification (germline): Benign. Review status: criteria provided, multiple submitters, no conflicts (2 of 4 stars). 3 submissions from 3 submitters: Benign (3). Last evaluated 2021-07-14.

Conditions:
Geleophysic dysplasia 1 (GPHYSD1). Also called: Geleophysic dwarfism. Identifiers: Orphanet 2623, MedGen C3278147, MONDO:0009269, OMIM 231050.

Allele frequency attached by ClinVar (database versions not stated): 1000 Genomes Project 0.72524; 1000 Genomes Project 30x 0.73423; gnomAD exomes 0.80842 and 0.88537; ExAC 0.81732; TOPMed 0.83111; gnomAD 0.84461 and 0.85292; ESP Exome Variant Server 0.87537.
gnomAD v4.1: 1,388,665 of 1,576,490 alleles (88%); highest among the groups gnomAD compares: Non-Finnish European, 92%; 619,138 homozygotes.

Submissions (3):

Genome-Nilou Lab
Classification: Benign for Geleophysic dysplasia 1. Last evaluated: 2021-07-14. Review status: criteria provided, single submitter. Criteria: ACMG Guidelines, 2015. Collection method: clinical testing. Allele origin: germline. Affected: no.

GeneDx
Classification: Benign. Last evaluated: 2018-06-19. Review status: criteria provided, single submitter. Criteria: GeneDx Variant Classification (06012015). Collection method: clinical testing. Allele origin: germline. Affected: yes.
Comment: This variant is considered likely benign or benign based on one or more of the following criteria: it is a conservative change, it occurs at a poorly conserved position in the protein, it is predicted to be benign by multiple in silico algorithms, and/or has population frequency not consistent with disease.

Breakthrough Genomics
Classification: Benign. Review status: criteria provided, single submitter. Criteria: ACMG Guidelines, 2015. Collection method: not provided. Allele origin: germline. Inheritance: Autosomal recessive inheritance. Affected: yes.

NM_014694.4(ADAMTSL2):c.939+47T>C

Gene: ADAMTSL2 (ADAMTS like 2; plus strand). Cytogenetic location: 9q34.2.
Variant type: single nucleotide variant.
Coding change: c.939+47T>C on transcript NM_014694.4 (MANE Select); 47 bases into the intron after coding-DNA position 939, T replaced by C.
Molecular consequence: intron variant.
Genome position (GRCh38, 1-based): chr9:133,547,260, T>C. VCF-style: chr9-133547260-T-C. GRCh37 (hg19) VCF-style: chr9-136412382-T-C.
Other names: c.939+47T>C (NM_001145320.2).
Identifiers: ClinVar variation 680472 (VCV000680472.5), dbSNP rs2073879, ClinGen allele CA5312814.
Genomic context (GRCh38, chr9:133,547,260, plus strand): 5'-GCCTGAATGTCATGGTACGTGTGCCGCAGGCCTTGGGGGCCCCAGGGGCCCTGGGCACTG[T>C]TTCCCCAGAATCCAGCCACAGGTGAGGTCTTCCAGCCCGTGACGCCCCCAGGGCCACTGT-3'